The following is an entry in ClinVar:

ClinVar aggregate classification (germline): Uncertain significance (1 of 4 stars; one submission).

gnomAD v4.1: 2 of 1,611,852 alleles (0.00012%); highest among the groups gnomAD compares: South Asian, 0.0011%; no homozygotes.

Submission:

Labcorp Genetics (formerly Invitae), Labcorp
Classification: Uncertain significance. Last evaluated: 2022-02-22. Review status: criteria provided, single submitter. Criteria: Invitae Variant Classification Sherloc (09022015). Collection method: clinical testing. Allele origin: germline.
Comment: This sequence change replaces proline, which is neutral and non-polar, with glutamine, which is neutral and polar, at codon 11 of the PDHX protein (p.Pro11Gln). This variant is not present in population databases (gnomAD no frequency). This variant has not been reported in the literature in individuals affected with PDHX-related conditions. Algorithms developed to predict the effect of missense changes on protein structure and function output the following: SIFT: "Tolerated"; PolyPhen-2: "Benign"; Align-GVGD: "Class C0". The glutamine amino acid residue is found in multiple mammalian species, which suggests that this missense change does not adversely affect protein function. In summary, the available evidence is currently insufficient to determine the role of this variant in disease. Therefore, it has been classified as a Variant of Uncertain Significance.

NM_003477.3(PDHX):c.32C>A (p.Pro11Gln)

Genes: PDHX (pyruvate dehydrogenase complex component X; plus strand), LOC130005549 (ATAC-STARR-seq lymphoblastoid active region 4608; plus strand). Cytogenetic location: 11p13.
Variant type: single nucleotide variant.
Coding change: c.32C>A on transcript NM_003477.3 (MANE Select); coding-DNA position 32, C replaced by A.
Protein change: p.Pro11Gln; replaces proline 11 with glutamine.
Molecular consequence: missense variant. On other transcripts: intron variant (1).
Genome position (GRCh38, 1-based): chr11:34,916,687, C>A. VCF-style: chr11-34916687-C-A. GRCh37 (hg19) VCF-style: chr11-34938234-C-A.
Other names: c.32C>A, p.Pro11Gln (NM_001166158.2); c.-21+201C>A (NM_001135024.2); short protein forms P11Q.
Identifiers: ClinVar variation 1400252 (VCV001400252.5), dbSNP rs1291802569, ClinGen allele CA380123702.
Genomic context (GRCh38, chr11:34,916,687, plus strand): 5'-TGCGGGCAGCCAGTGAGAAGGCCGTCAAGATGGCGGCCTCCTGGAGGCTGGGCTGTGATC[C>A]GCGGCTGCTGCGTTATCTTGTGGGCTTCCCCGGCCGCCGAAGCGTAGGGCTGGTGAAGGG-3'
Protein context (NP_003468.2, residues 1-21): MAASWRLGCD[Pro11Gln]RLLRYLVGFP